The following is an entry in ClinVar:

NM_001374736.1(DST):c.21885C>T (p.Thr7295=)

Gene: DST (dystonin; minus strand). Cytogenetic location: 6p12.1.
Variant type: single nucleotide variant.
Coding change: c.21885C>T on transcript NM_001374736.1 (MANE Select); coding-DNA position 21885, C replaced by T.
Protein change: p.Thr7295=; no amino-acid change (threonine 7295 retained).
Molecular consequence: synonymous variant.
Genome position (GRCh38, 1-based): chr6:56,473,982, G>A on the plus strand (C>T on the coding strand, the complement: DST is on the minus strand). VCF-style: chr6-56473982-G-A. GRCh37 (hg19) VCF-style: chr6-56338780-G-A.
Other names: c.15528C>T, p.Thr5176= (NM_001144769.5); c.15114C>T, p.Thr5038= (NM_001144770.2); c.21885C>T, p.Thr7295= (NM_001374722.1); c.20925C>T, p.Thr6975= (NM_001374729.1); c.14667C>T, p.Thr4889= (NM_001374730.1); c.21912C>T, p.Thr7304= (NM_001374734.1); c.14994C>T, p.Thr4998= (NM_001386100.1, NM_183380.4); c.14016C>T, p.Thr4672= (NM_015548.5); and 1 more.
Identifiers: ClinVar variation 1154667 (VCV001154667.34), dbSNP rs764924172, ClinGen allele CA3866371.

ClinVar aggregate classification (germline): Likely benign. Review status: criteria provided, multiple submitters, no conflicts (2 of 4 stars). 3 submissions from 3 submitters: Likely benign (2). 1 of the submissions does not count toward it. Last evaluated 2025-11-17.

Conditions:
Hereditary sensory and autonomic neuropathy type 6. Also called: HSAN VI; Neuropathy, hereditary sensory and autonomic, type VI. Identifiers: Orphanet 314381, MedGen C3539003, MONDO:0013839, OMIM 614653.
Epidermolysis bullosa simplex 3, localized or generalized intermediate, with BP230 deficiency (EBS3). Also called: Epidermolysis bullosa simplex due to BP230 deficiency; Epidermolysis bullosa simplex, autosomal recessive 2. Identifiers: Orphanet 412181, MedGen C3809470, MONDO:0014180, OMIM 615425.
DST-related disorder. Also called: DST-related condition; DST-related disorders.

Allele frequency attached by ClinVar (database versions not stated): gnomAD 0.00004 and 0.00005; gnomAD exomes 0.00005; TOPMed 0.00005; ExAC 0.00007.
gnomAD v4.1: 78 of 1,578,796 alleles (0.0049%); highest among the groups gnomAD compares: Non-Finnish European, 0.0065%; no homozygotes.

Submissions (3):

Labcorp Genetics (formerly Invitae), Labcorp
Classification: Likely benign for Epidermolysis bullosa simplex 3, localized or generalized intermediate, with BP230 deficiency; Hereditary sensory and autonomic neuropathy type 6. Last evaluated: 2025-11-17. Review status: criteria provided, single submitter. Criteria: Invitae Variant Classification Sherloc (09022015). Collection method: clinical testing. Allele origin: germline.

CeGaT Center for Human Genetics Tuebingen
Classification: Likely benign. Last evaluated: 2023-01-01. Review status: criteria provided, single submitter. Criteria: CeGaT Center For Human Genetics Tuebingen Variant Classification Criteria Version 2. Collection method: clinical testing. Allele origin: germline. Affected: yes. Observed: 2 variant alleles.
Comment: DST: BP4, BP7

PreventionGenetics, part of Exact Sciences
Classification: Likely benign for DST-related condition. Last evaluated: 2019-03-12. Review status: no assertion criteria provided. Collection method: clinical testing. Allele origin: germline. Not counted in ClinVar's aggregate classification.
Comment: This variant is classified as likely benign based on ACMG/AMP sequence variant interpretation guidelines (Richards et al. 2015 PMID: 25741868, with internal and published modifications).